The following is an entry in ClinVar:

NM_000642.3(AGL):c.1006A>G (p.Ile336Val)

Gene: AGL (amylo-alpha-1,6-glucosidase and 4-alpha-glucanotransferase; plus strand). Cytogenetic location: 1p21.2.
Variant type: single nucleotide variant.
Coding change: c.1006A>G on transcript NM_000642.3 (MANE Select); coding-DNA position 1006, A replaced by G.
Protein change: p.Ile336Val; replaces isoleucine 336 with valine.
Molecular consequence: missense variant.
Genome position (GRCh38, 1-based): chr1:99,874,734, A>G. VCF-style: chr1-99874734-A-G. GRCh37 (hg19) VCF-style: chr1-100340290-A-G.
Other names: c.1006A>G, p.Ile336Val (NM_000028.3, NM_000643.3, NM_000644.3 and 3 more transcripts); c.958A>G, p.Ile320Val (NM_000646.3); c.802A>G, p.Ile268Val (NM_001425328.1, NM_001425329.1); c.628A>G, p.Ile210Val (NM_001425332.1); short protein forms I336V, I320V, I210V, I268V.
Identifiers: ClinVar variation 1349716 (VCV001349716.5), dbSNP rs1651355891, ClinGen allele CA341343080.

ClinVar aggregate classification (germline): Uncertain significance (1 of 4 stars; one submission).

Conditions:
Glycogen storage disease type III (GSD3). Also called: Cori disease; FORBES DISEASE. Identifiers: Orphanet 366, MedGen C0017922, MONDO:0009291, OMIM 232400.

Submission:

Labcorp Genetics (formerly Invitae), Labcorp
Classification: Uncertain significance for Glycogen storage disease type III. Last evaluated: 2021-09-01. Review status: criteria provided, single submitter. Criteria: Invitae Variant Classification Sherloc (09022015). Collection method: clinical testing. Allele origin: germline.
Comment: This sequence change replaces isoleucine with valine at codon 336 of the AGL protein (p.Ile336Val). The isoleucine residue is weakly conserved and there is a small physicochemical difference between isoleucine and valine. This variant is not present in population databases (ExAC no frequency). This variant has not been reported in the literature in individuals affected with AGL-related conditions. Algorithms developed to predict the effect of missense changes on protein structure and function (SIFT, PolyPhen-2, Align-GVGD) all suggest that this variant is likely to be tolerated. In summary, the available evidence is currently insufficient to determine the role of this variant in disease. Therefore, it has been classified as a Variant of Uncertain Significance.